The following is an entry in ClinVar:

NM_000180.4(GUCY2D):c.507G>A (p.Ala169=)

Gene: GUCY2D (guanylate cyclase 2D, retinal; plus strand). Cytogenetic location: 17p13.1.
Variant type: single nucleotide variant.
Coding change: c.507G>A on transcript NM_000180.4 (MANE Select); coding-DNA position 507, G replaced by A.
Protein change: p.Ala169=; no amino-acid change (alanine 169 retained).
Molecular consequence: synonymous variant.
Genome position (GRCh38, 1-based): chr17:8,003,554, G>A. VCF-style: chr17-8003554-G-A. GRCh37 (hg19) VCF-style: chr17-7906872-G-A.
Identifiers: ClinVar variation 3905003 (VCV003905003.10).

ClinVar aggregate classification (germline): Likely benign (1 of 4 stars; one submission).

gnomAD v4.1: 2 of 1,569,918 alleles (0.00013%); highest among the groups gnomAD compares: East Asian, 0.0023%; no homozygotes.

Submission:

CeGaT Center for Human Genetics Tuebingen
Classification: Likely benign. Last evaluated: 2025-05-01. Review status: criteria provided, single submitter. Criteria: CeGaT Center For Human Genetics Tuebingen Variant Classification Criteria Version 2. Collection method: clinical testing. Allele origin: germline. Affected: yes. Observed: 1 variant allele.
Comment: GUCY2D: BP4, BP7